The following is an entry in ClinVar:

ClinVar aggregate classification (germline): Likely benign (0 of 4 stars; one submission).

Conditions:
VWA2-related disorder. Also called: VWA2-related condition.

Allele frequency attached by ClinVar (database versions not stated): gnomAD exomes below 0.00001; TOPMed below 0.00001; ExAC 0.00001; gnomAD 0.00001.
gnomAD v4.1: 4 of 1,613,736 alleles (0.00025%); highest among the groups gnomAD compares: African/African-American, 0.0027%; no homozygotes.

Submission:

PreventionGenetics, part of Exact Sciences
Classification: Likely benign for VWA2-related condition. Last evaluated: 2023-12-11. Review status: no assertion criteria provided. Collection method: clinical testing. Allele origin: germline.
Comment: This variant is classified as likely benign based on ACMG/AMP sequence variant interpretation guidelines (Richards et al. 2015 PMID: 25741868, with internal and published modifications).

NM_001272046.2(VWA2):c.418A>C (p.Arg140=)

Gene: VWA2 (von Willebrand factor A domain containing 2; plus strand). Cytogenetic location: 10q25.3.
Variant type: single nucleotide variant.
Coding change: c.418A>C on transcript NM_001272046.2 (MANE Select); coding-DNA position 418, A replaced by C.
Protein change: p.Arg140=; no amino-acid change (arginine 140 retained).
Molecular consequence: synonymous variant.
Genome position (GRCh38, 1-based): chr10:114,272,786, A>C. VCF-style: chr10-114272786-A-C. GRCh37 (hg19) VCF-style: chr10-116032545-A-C.
Other names: c.418A>C, p.Arg140= (NM_001320804.1).
Identifiers: ClinVar variation 3031595 (VCV003031595.2), dbSNP rs750422421, ClinGen allele CA5700313.
Genomic context (GRCh38, chr10:114,272,786, plus strand): 5'-CTGGGTGTGCACAGAGGAGGGCGCACGGAGACGGAACTTGCTCTGAAATACCTTCTGCAC[A>C]GAGGGTTGCCTGGAGGCAGAAATGCTTCTGTGCCCCAGATCCTCATCATCGTCACTGATG-3'
Protein context (NP_001258975.1, residues 130-150): TELALKYLLH[Arg140=]GLPGGRNASV